The following is an entry in ClinVar:

NM_000264.5(PTCH1):c.522G>A (p.Ala174=)

Gene: PTCH1 (patched 1; minus strand). Cytogenetic location: 9q22.32.
Variant type: single nucleotide variant.
Coding change: c.522G>A on transcript NM_000264.5 (MANE Select); coding-DNA position 522, G replaced by A.
Protein change: p.Ala174=; no amino-acid change (alanine 174 retained).
Molecular consequence: synonymous variant. On other transcripts: non-coding transcript variant (1).
Genome position (GRCh38, 1-based): chr9:95,485,747, C>T on the plus strand (G>A on the coding strand, the complement: PTCH1 is on the minus strand). VCF-style: chr9-95485747-C-T. GRCh37 (hg19) VCF-style: chr9-98248029-C-T.
Other names: c.324G>A, p.Ala108= (NM_001083602.3, NM_001354919.2); c.519G>A, p.Ala173= (NM_001083603.3); c.69G>A, p.Ala23= (NM_001083604.3, NM_001083605.3, NM_001083606.3 and 1 more transcripts); c.522G>A, p.Ala174= (NM_001354918.2).
Identifiers: ClinVar variation 706673 (VCV000706673.24), dbSNP rs891032185, ClinGen allele CA196536914.

ClinVar aggregate classification (germline): Likely benign. Review status: criteria provided, multiple submitters, no conflicts (2 of 4 stars). 3 submissions from 3 submitters: Likely benign (3). Last evaluated 2025-12-23.

Conditions:
Hereditary cancer-predisposing syndrome. Also called: Neoplastic Syndromes, Hereditary; Tumor predisposition; Hereditary Cancer Syndrome; Hereditary neoplastic syndrome. Identifiers: Orphanet 140162, MedGen C0027672, MeSH D009386, MONDO:0015356.
Gorlin syndrome. Also called: Nevoid Basal Cell Carcinoma Syndrome; Basal cell nevus syndrome. Identifiers: Orphanet 377, MedGen C0004779, MONDO:0007187.

Allele frequency attached by ClinVar (database versions not stated): gnomAD 0.00001; TOPMed 0.00001.

Submissions (3):

Labcorp Genetics (formerly Invitae), Labcorp
Classification: Likely benign for Gorlin syndrome. Last evaluated: 2025-12-23. Review status: criteria provided, single submitter. Criteria: Invitae Variant Classification Sherloc (09022015). Collection method: clinical testing. Allele origin: germline.

CeGaT Center for Human Genetics Tuebingen
Classification: Likely benign. Last evaluated: 2024-09-01. Review status: criteria provided, single submitter. Criteria: CeGaT Center For Human Genetics Tuebingen Variant Classification Criteria Version 2. Collection method: clinical testing. Allele origin: germline. Affected: yes. Observed: 1 variant allele.
Comment: PTCH1: BP4, BP7

Ambry Genetics
Classification: Likely benign for Hereditary cancer-predisposing syndrome. Last evaluated: 2022-07-27. Review status: criteria provided, single submitter. Criteria: Ambry Variant Classification Scheme 2023. Collection method: clinical testing. Allele origin: germline.